The following is an entry in ClinVar:

NM_000428.3(LTBP2):c.4843G>A (p.Glu1615Lys)

Gene: LTBP2 (latent transforming growth factor beta binding protein 2; minus strand). Cytogenetic location: 14q24.3.
Variant type: single nucleotide variant.
Coding change: c.4843G>A on transcript NM_000428.3 (MANE Select); coding-DNA position 4843, G replaced by A.
Protein change: p.Glu1615Lys; replaces glutamic acid 1615 with lysine.
Molecular consequence: missense variant.
Genome position (GRCh38, 1-based): chr14:74,503,264, C>T on the plus strand (G>A on the coding strand, the complement: LTBP2 is on the minus strand). VCF-style: chr14-74503264-C-T. GRCh37 (hg19) VCF-style: chr14-74969967-C-T.
Other names: c.4843G>A (NM_000428.2); short protein forms E1615K.
Identifiers: ClinVar variation 1448484 (VCV001448484.10), dbSNP rs145153985, ClinGen allele CA7268619.
Genomic context (GRCh38, chr14:74,503,264, plus strand): 5'-TTTGCTCCCCCTCACCAGAGCTCCTCGGGGGACACAGAGCACACTGCTGGCTCCAGGCCT[C>T]GCCGTCCTGGCAGCAGCATTCCGTGTAGGTGGTGCGGTGCCCACGCAGGGGTTCGCTGCA-3'
Protein context (NP_000419.1, residues 1605-1625): TYTECCCQDG[Glu1615Lys]AWSQQCALCP

ClinVar aggregate classification (germline): Uncertain significance. Review status: criteria provided, multiple submitters, no conflicts (2 of 4 stars). 2 submissions from 2 submitters: Uncertain significance (2). Last evaluated 2023-07-14.

Conditions:
Inborn genetic diseases. Identifiers: MedGen C0950123, MeSH D030342.

Allele frequency attached by ClinVar (database versions not stated): gnomAD exomes 0.00001 and 0.00002; ExAC 0.00002; TOPMed 0.00006; gnomAD 0.00011 and 0.00013; ESP Exome Variant Server 0.00023.
gnomAD v4.1: 26 of 1,614,078 alleles (0.0016%); highest among the groups gnomAD compares: Middle Eastern, 0.033%; no homozygotes.

Submissions (2):

Labcorp Genetics (formerly Invitae), Labcorp
Classification: Uncertain significance. Last evaluated: 2023-07-14. Review status: criteria provided, single submitter. Criteria: Invitae Variant Classification Sherloc (09022015). Collection method: clinical testing. Allele origin: germline.
Comment: This sequence change replaces glutamic acid, which is acidic and polar, with lysine, which is basic and polar, at codon 1615 of the LTBP2 protein (p.Glu1615Lys). This variant is present in population databases (rs145153985, gnomAD 0.01%). This variant has not been reported in the literature in individuals affected with LTBP2-related conditions. ClinVar contains an entry for this variant (Variation ID: 1448484). An algorithm developed to predict the effect of missense changes on protein structure and function (PolyPhen-2) suggests that this variant is likely to be disruptive. In summary, the available evidence is currently insufficient to determine the role of this variant in disease. Therefore, it has been classified as a Variant of Uncertain Significance.

Ambry Genetics
Classification: Uncertain significance for Inborn genetic diseases. Last evaluated: 2023-04-05. Review status: criteria provided, single submitter. Criteria: Ambry Variant Classification Scheme 2023. Collection method: clinical testing. Allele origin: germline.